The following is an entry in ClinVar:

NM_001271.4(CHD2):c.2011T>C (p.Trp671Arg)

Gene: CHD2 (chromodomain helicase DNA binding protein 2; plus strand). Cytogenetic location: 15q26.1.
Variant type: single nucleotide variant.
Coding change: c.2011T>C on transcript NM_001271.4 (MANE Select); coding-DNA position 2011, T replaced by C.
Protein change: p.Trp671Arg; replaces tryptophan 671 with arginine.
Molecular consequence: missense variant.
Genome position (GRCh38, 1-based): chr15:92,967,335, T>C. VCF-style: chr15-92967335-T-C. GRCh37 (hg19) VCF-style: chr15-93510565-T-C.
Other names: short protein forms W671R.
Identifiers: ClinVar variation 1879309 (VCV001879309.29), dbSNP rs2505515661, ClinGen allele CA393907001.
Genomic context (GRCh38, chr15:92,967,335, plus strand): 5'-TCTTCTTTTCCTCAATGTGGCTAAATAACACTATACTGTTTCTTCCCTAGGTTTGAATTT[T>C]GGGAAGATTTTGAAGAAGACCATGGGAAGGGGAGAGAAAATGGCTACCAGAGTCTTCATA-3'
Protein context (NP_001262.3, residues 661-681): HFIMPEKFEF[Trp671Arg]EDFEEDHGKG

ClinVar aggregate classification (germline): Uncertain significance (1 of 4 stars; one submission).

Submission:

CeGaT Center for Human Genetics Tuebingen
Classification: Uncertain significance. Last evaluated: 2022-12-01. Review status: criteria provided, single submitter. Criteria: CeGaT Center For Human Genetics Tuebingen Variant Classification Criteria Version 2. Collection method: clinical testing. Allele origin: germline. Affected: yes. Observed: 1 variant allele.
Comment: CHD2: PM2, PP2, PP3